The following is an entry in ClinVar:

ClinVar aggregate classification (germline): Uncertain significance (1 of 4 stars; one submission).

Allele frequency attached by ClinVar (database versions not stated): gnomAD exomes below 0.00001.

Submission:

Labcorp Genetics (formerly Invitae), Labcorp
Classification: Uncertain significance. Last evaluated: 2024-01-02. Review status: criteria provided, single submitter. Criteria: Invitae Variant Classification Sherloc (09022015). Collection method: clinical testing. Allele origin: germline.
Comment: This sequence change replaces asparagine, which is neutral and polar, with serine, which is neutral and polar, at codon 769 of the KANK1 protein (p.Asn769Ser). This variant is not present in population databases (gnomAD no frequency). This variant has not been reported in the literature in individuals affected with KANK1-related conditions. ClinVar contains an entry for this variant (Variation ID: 2121491). Advanced modeling of protein sequence and biophysical properties (such as structural, functional, and spatial information, amino acid conservation, physicochemical variation, residue mobility, and thermodynamic stability) performed at Invitae indicates that this missense variant is not expected to disrupt KANK1 protein function with a negative predictive value of 80%. In summary, the available evidence is currently insufficient to determine the role of this variant in disease. Therefore, it has been classified as a Variant of Uncertain Significance.

NM_015158.5(KANK1):c.2306A>G (p.Asn769Ser)

Gene: KANK1 (KN motif and ankyrin repeat domains 1; plus strand). Cytogenetic location: 9p24.3.
Variant type: single nucleotide variant.
Coding change: c.2306A>G on transcript NM_015158.5 (MANE Select); coding-DNA position 2306, A replaced by G.
Protein change: p.Asn769Ser; replaces asparagine 769 with serine.
Molecular consequence: missense variant. On other transcripts: non-coding transcript variant (1).
Genome position (GRCh38, 1-based): chr9:713,072, A>G. VCF-style: chr9-713072-A-G. GRCh37 (hg19) VCF-style: chr9-713072-A-G.
Other names: c.2306A>G, p.Asn769Ser (NM_001256876.3, NM_001256877.3, NM_001354331.2 and 2 more transcripts); c.1832A>G, p.Asn611Ser (NM_001354333.2, NM_001354335.2, NM_001354336.2 and 9 more transcripts); short protein forms N769S, N611S.
Identifiers: ClinVar variation 2121491 (VCV002121491.4), dbSNP rs966452474, ClinGen allele CA187838246.